The following is an entry in ClinVar:

NM_007194.4(CHEK2):c.271_272delinsAA (p.Ala91Asn)

Gene: CHEK2 (checkpoint kinase 2; minus strand). Cytogenetic location: 22q12.1.
Variant type: Indel.
Coding change: c.271_272delinsAA on transcript NM_007194.4 (MANE Select); coding-DNA positions 271 to 272, GC replaced by AA.
Protein change: p.Ala91Asn; replaces alanine 91 with asparagine.
Molecular consequence: missense variant.
Genome position (GRCh38, 1-based): chr22:28,734,450-28,734,451, GC replaced by TT on the plus strand (GC replaced by AA on the coding strand, the reverse complement: CHEK2 is on the minus strand). VCF-style: chr22-28734450-GC-TT. GRCh37 (hg19) VCF-style: chr22-29130438-GC-TT.
Other names: c.271_272delinsAA (NM_007194.3); c.271_272delGCinsAA, p.Ala91Asn (NM_001005735.3, NM_001349956.3, NM_145862.3); c.-507_-506delGCinsAA (NM_001257387.3); short protein forms A91N.
Identifiers: ClinVar variation 489881 (VCV000489881.5), dbSNP rs1555932194, ClinGen allele CA658684265.

ClinVar aggregate classification (germline): Uncertain significance (1 of 4 stars; one submission).

Conditions:
Hereditary cancer-predisposing syndrome. Also called: Hereditary Cancer Syndrome; Neoplastic Syndromes, Hereditary; Tumor predisposition; Hereditary neoplastic syndrome. Identifiers: Orphanet 140162, MedGen C0027672, MeSH D009386, MONDO:0015356.

Submission:

Color Diagnostics, LLC DBA Color Health
Classification: Uncertain significance for Hereditary cancer-predisposing syndrome. Last evaluated: 2023-12-05. Review status: criteria provided, single submitter. Criteria: ACMG Guidelines, 2015. Collection method: clinical testing. Allele origin: germline.
Comment: This missense variant replaces alanine with asparagine at codon 91 of the CHEK2 protein. To our knowledge, functional studies have not been reported for this variant. This variant has not been reported in individuals affected with CHEK2-related disorders in the literature. This variant has not been identified in the general population by the Genome Aggregation Database (gnomAD). The available evidence is insufficient to determine the role of this variant in disease conclusively. Therefore, this variant is classified as a Variant of Uncertain Significance.